The following is an entry in ClinVar:

ClinVar aggregate classification (germline): Uncertain significance (1 of 4 stars; one submission).

Conditions:
Cardiovascular phenotype. Identifiers: MedGen CN230736.

Allele frequency attached by ClinVar (database versions not stated): TOPMed below 0.00001; ExAC 0.00001; gnomAD exomes 0.00001.
gnomAD v4.1: 9 of 1,613,774 alleles (0.00056%); highest among the groups gnomAD compares: Non-Finnish European, 0.00076%; no homozygotes.

Submission:

Ambry Genetics
Classification: Uncertain significance for Cardiovascular phenotype. Last evaluated: 2025-01-19. Review status: criteria provided, single submitter. Criteria: Ambry Variant Classification Scheme 2023. Collection method: clinical testing. Allele origin: germline.
Comment: The p.T49I variant (also known as c.146C>T), located in coding exon 1 of the TECRL gene, results from a C to T substitution at nucleotide position 146. The threonine at codon 49 is replaced by isoleucine, an amino acid with similar properties. This amino acid position is conserved. In addition, this alteration is predicted to be tolerated by in silico analysis. Since supporting evidence is limited at this time, the clinical significance of this alteration remains unclear.

NM_001010874.5(TECRL):c.146C>T (p.Thr49Ile)

Gene: TECRL (trans-2,3-enoyl-CoA reductase like; minus strand). Cytogenetic location: 4q13.1.
Variant type: single nucleotide variant.
Coding change: c.146C>T on transcript NM_001010874.5 (MANE Select); coding-DNA position 146, C replaced by T.
Protein change: p.Thr49Ile; replaces threonine 49 with isoleucine.
Molecular consequence: missense variant.
Genome position (GRCh38, 1-based): chr4:64,409,206, G>A on the plus strand (C>T on the coding strand, the complement: TECRL is on the minus strand). VCF-style: chr4-64409206-G-A. GRCh37 (hg19) VCF-style: chr4-65274924-G-A.
Other names: c.146C>T, p.Thr49Ile (NM_001363796.1); short protein forms T49I.
Identifiers: ClinVar variation 1773330 (VCV001773330.3), dbSNP rs779723331, ClinGen allele CA2935685.